The following is an entry in ClinVar:

ClinVar aggregate classification (germline): Uncertain significance (0 of 4 stars; one submission).

Allele frequency attached by ClinVar (database versions not stated): gnomAD exomes 0.00001; gnomAD 0.00003; TOPMed 0.00005.
gnomAD v4.1: 15 of 1,613,978 alleles (0.00093%); highest among the groups gnomAD compares: Middle Eastern, 0.016%; no homozygotes.

Submission:

Department of Pathology and Laboratory Medicine, Sinai Health System
Classification: Uncertain significance. Review status: no assertion criteria provided. Collection method: clinical testing. Allele origin: unknown. Affected: yes. Study: The Canadian Open Genetics Repository (COGR).
Comment: The RNF213 p.Ser2238Ile variant was not identified in the literature nor was it identified in ClinVar, Cosmic or LOVD 3.0. The variant was also identified in dbSNP (ID: rs567396131) and in control databases in 6 of 282858 chromosomes at a frequency of 0.000021 (Genome Aggregation Database Feb 27, 2017). The variant was observed in the following populations: African in 5 of 24962 chromosomes (freq: 0.0002) and Latino in 1 of 35440 chromosomes (freq: 0.000028), while the variant was not observed in the Ashkenazi Jewish, East Asian, European (Finnish), European (non-Finnish), Other or South Asian populations. The variant occurs outside of the splicing consensus sequence and in silico or computational prediction software programs (SpliceSiteFinder, MaxEntScan, NNSPLICE, GeneSplicer) do not predict a difference in splicing. The p.Ser2238 residue is not conserved in mammals and three out of four computational analyses (SIFT, AlignGVGD, BLOSUM) do not suggest a high likelihood of impact to the protein; however, this information is not predictive enough to rule out pathogenicity. In summary, based on the above information the clinical significance of this variant cannot be determined with certainty at this time. This variant is classified as a variant of uncertain significance.

NM_001256071.3(RNF213):c.6713G>T (p.Ser2238Ile)

Gene: RNF213 (ring finger protein 213; plus strand). Cytogenetic location: 17q25.3.
Variant type: single nucleotide variant.
Coding change: c.6713G>T on transcript NM_001256071.3 (MANE Select); coding-DNA position 6713, G replaced by T.
Protein change: p.Ser2238Ile; replaces serine 2238 with isoleucine.
Molecular consequence: missense variant.
Genome position (GRCh38, 1-based): chr17:80,345,048, G>T. VCF-style: chr17-80345048-G-T. GRCh37 (hg19) VCF-style: chr17-78318848-G-T.
Other names: short protein forms S2238I.
Identifiers: ClinVar variation 1050654 (VCV001050654.1), dbSNP rs567396131, ClinGen allele CA8820595.
Genomic context (GRCh38, chr17:80,345,048, plus strand): 5'-TTGCTCGGTTCCTGAATTATCAGCTCAGAGATTGTGAGGCCTCTCTCTTCTGCAATCCGA[G>T]TTTTATTGGCGACACACTGAGGGGCTTCAAGAAGTTCGTGGTGACCTTCATGATCTTTAT-3'
Protein context (NP_001243000.2, residues 2228-2248): DCEASLFCNP[Ser2238Ile]FIGDTLRGFK